The following is an entry in ClinVar:

NM_017534.6(MYH2):c.4222G>A (p.Glu1408Lys)

Genes: MYH2 (myosin heavy chain 2; minus strand), MYHAS (myosin heavy chain gene cluster antisense RNA; plus strand). Cytogenetic location: 17p13.1.
Variant type: single nucleotide variant.
Coding change: c.4222G>A on transcript NM_017534.6 (MANE Select); coding-DNA position 4222, G replaced by A.
Protein change: p.Glu1408Lys; replaces glutamic acid 1408 with lysine.
Molecular consequence: missense variant.
Genome position (GRCh38, 1-based): chr17:10,525,842, C>T on the plus strand (G>A on the coding strand, the complement: MYH2 is on the minus strand). VCF-style: chr17-10525842-C-T. GRCh37 (hg19) VCF-style: chr17-10429159-C-T.
Other names: c.4222G>A (NM_017534.5); c.4222G>A, p.Glu1408Lys (NM_001100112.2); short protein forms E1408K.
Identifiers: ClinVar variation 1005453 (VCV001005453.6), dbSNP rs780588979, ClinGen allele CA8390687.

ClinVar aggregate classification (germline): Uncertain significance. Review status: criteria provided, multiple submitters, no conflicts (2 of 4 stars). 2 submissions from 2 submitters: Uncertain significance (2). Last evaluated 2026-01-02.

Conditions:
Myopathy, proximal, and ophthalmoplegia (CMYO6). Also called: INCLUSION BODY MYOPATHY 3, AUTOSOMAL DOMINANT; CONGENITAL MYOPATHY 6 WITH OPHTHALMOPLEGIA; MYOPATHY WITH CONGENITAL JOINT CONTRACTURES, OPHTHALMOPLEGIA, AND RIMMED VACUOLES. Identifiers: Orphanet 363677, Orphanet 79091, MedGen C1854106, MONDO:0011577, OMIM 605637.

Allele frequency attached by ClinVar (database versions not stated): gnomAD below 0.00001 and 0.00002; TOPMed below 0.00001; gnomAD exomes 0.00006 and 0.00009; ExAC 0.00012.
gnomAD v4.1: 87 of 1,614,060 alleles (0.0054%); highest among the groups gnomAD compares: South Asian, 0.091%; 3 homozygotes.

Submissions (2):

Labcorp Genetics (formerly Invitae), Labcorp
Classification: Uncertain significance for Myopathy, proximal, and ophthalmoplegia. Last evaluated: 2026-01-02. Review status: criteria provided, single submitter. Criteria: Invitae Variant Classification Sherloc (09022015). Collection method: clinical testing. Allele origin: germline.
Comment: This sequence change replaces glutamic acid, which is acidic and polar, with lysine, which is basic and polar, at codon 1408 of the MYH2 protein (p.Glu1408Lys). This variant is present in population databases (rs780588979, gnomAD 0.07%), including at least one homozygous and/or hemizygous individual. This variant has not been reported in the literature in individuals affected with MYH2-related conditions. ClinVar contains an entry for this variant (Variation ID: 1005453). Invitae Evidence Modeling of protein sequence and biophysical properties (such as structural, functional, and spatial information, amino acid conservation, physicochemical variation, residue mobility, and thermodynamic stability) has been performed for this missense variant. However, the output from this modeling did not meet the statistical confidence thresholds required to predict the impact of this variant on MYH2 protein function. In summary, the available evidence is currently insufficient to determine the role of this variant in disease. Therefore, it has been classified as a Variant of Uncertain Significance.

GeneDx
Classification: Uncertain significance. Last evaluated: 2023-02-22. Review status: criteria provided, single submitter. Criteria: GeneDx Variant Classification Process June 2021. Collection method: clinical testing. Allele origin: germline. Affected: yes.
Comment: In silico analysis supports that this missense variant has a deleterious effect on protein structure/function; Has not been previously published as pathogenic or benign to our knowledge; This variant is associated with the following publications: (PMID: 32579932)